The following is an entry in ClinVar:

NM_138694.4(PKHD1):c.3526G>A (p.Val1176Ile)

Gene: PKHD1 (PKHD1 ciliary IPT domain containing fibrocystin/polyductin; minus strand). Cytogenetic location: 6p12.2.
Variant type: single nucleotide variant.
Coding change: c.3526G>A on transcript NM_138694.4 (MANE Select); coding-DNA position 3526, G replaced by A.
Protein change: p.Val1176Ile; replaces valine 1176 with isoleucine.
Molecular consequence: missense variant.
Genome position (GRCh38, 1-based): chr6:52,028,190, C>T on the plus strand (G>A on the coding strand, the complement: PKHD1 is on the minus strand). VCF-style: chr6-52028190-C-T. GRCh37 (hg19) VCF-style: chr6-51892988-C-T.
Other names: c.3526G>A, p.Val1176Ile (NM_170724.3); short protein forms V1176I.
Identifiers: ClinVar variation 288097 (VCV000288097.38), dbSNP rs565045703, ClinGen allele CA3852919.

ClinVar aggregate classification (germline): Uncertain significance. Review status: criteria provided, multiple submitters, no conflicts (2 of 4 stars). 7 submissions from 7 submitters: Uncertain significance (5). 2 of the submissions do not count toward it. Last evaluated 2024-10-19.

Conditions:
Polycystic kidney disease 4 (PKD4). Also called: POLYCYSTIC KIDNEY DISEASE 4 WITH OR WITHOUT POLYCYSTIC LIVER DISEASE; PKD3; Autosomal Recessive Polycystic Kidney Disease – PKHD1; POLYCYSTIC KIDNEY AND HEPATIC DISEASE 1; POLYCYSTIC KIDNEY DISEASE, INFANTILE, TYPE I. Identifiers: MedGen C4540575, MONDO:0033004, OMIM 263200.
PKHD1-related disorder. Also called: PKHD1-related condition.
Autosomal dominant polycystic liver disease. Also called: Polycystic liver disease; Congenital cystic disease of liver. Identifiers: Orphanet 2924, MedGen C0158683, MONDO:0000447, HP:0006557.
Inborn genetic diseases. Identifiers: MedGen C0950123, MeSH D030342.
Autosomal recessive polycystic kidney disease (ARPKD). Also called: AR polycystic kidney disease. Identifiers: Orphanet 731, Orphanet 8378, MedGen C0085548, MeSH D017044, MONDO:0009889.

Allele frequency attached by ClinVar (database versions not stated): gnomAD 0.00007; ExAC 0.00009; TOPMed 0.00009; gnomAD exomes 0.00011 and 0.00012; 1000 Genomes Project 30x 0.00016; 1000 Genomes Project 0.00020.
gnomAD v4.1: 189 of 1,614,230 alleles (0.012%); highest among the groups gnomAD compares: South Asian, 0.021%; no homozygotes.

Submissions (7):

Ambry Genetics
Classification: Uncertain significance for Inborn genetic diseases. Last evaluated: 2024-10-19. Review status: criteria provided, single submitter. Criteria: Ambry Variant Classification Scheme 2023. Collection method: clinical testing. Allele origin: germline.

Labcorp Genetics (formerly Invitae), Labcorp
Classification: Uncertain significance for Autosomal recessive polycystic kidney disease. Last evaluated: 2022-04-09. Review status: criteria provided, single submitter. Criteria: Invitae Variant Classification Sherloc (09022015). Collection method: clinical testing. Allele origin: germline.
Comment: This sequence change replaces valine, which is neutral and non-polar, with isoleucine, which is neutral and non-polar, at codon 1176 of the PKHD1 protein (p.Val1176Ile). This variant is present in population databases (rs565045703, gnomAD 0.03%). This variant has not been reported in the literature in individuals affected with PKHD1-related conditions. ClinVar contains an entry for this variant (Variation ID: 288097). Advanced modeling of protein sequence and biophysical properties (such as structural, functional, and spatial information, amino acid conservation, physicochemical variation, residue mobility, and thermodynamic stability) performed at Invitae indicates that this missense variant is not expected to disrupt PKHD1 protein function. In summary, the available evidence is currently insufficient to determine the role of this variant in disease. Therefore, it has been classified as a Variant of Uncertain Significance.

Fulgent Genetics
Classification: Uncertain significance for Polycystic kidney disease 4. Last evaluated: 2022-02-16. Review status: criteria provided, single submitter. Criteria: ACMG Guidelines, 2015. Collection method: clinical testing. Allele origin: unknown.

Illumina Laboratory Services, Illumina
Classification: Uncertain significance for Polycystic kidney disease 4. Last evaluated: 2018-01-13. Review status: criteria provided, single submitter. Criteria: ICSL Variant Classification Criteria 13 December 2019. Collection method: clinical testing. Allele origin: germline.

Eurofins Ntd Llc (ga)
Classification: Uncertain significance. Last evaluated: 2016-05-12. Review status: criteria provided, single submitter. Criteria: EGL Classification Definitions 2015. Collection method: clinical testing. Allele origin: germline. Observed: 1 variant allele, 1 heterozygote.

PreventionGenetics, part of Exact Sciences
Classification: Uncertain significance for PKHD1-related condition. Last evaluated: 2024-07-09. Review status: no assertion criteria provided. Collection method: clinical testing. Allele origin: germline. Not counted in ClinVar's aggregate classification.
Comment: The PKHD1 c.3526G>A variant is predicted to result in the amino acid substitution p.Val1176Ile. To our knowledge, this variant has not been reported in the literature. This variant is reported in 0.033% of alleles in individuals of South Asian descent in gnomAD. At this time, the clinical significance of this variant is uncertain due to the absence of conclusive functional and genetic evidence.

Laboratory of Gastroenterology and Hepatology, Radboud University Medical Center
Classification: Uncertain significance for Autosomal dominant polycystic liver disease. Last evaluated: 2021-09-01. Review status: no assertion criteria provided. Collection method: research. Allele origin: germline. Affected: yes. Not counted in ClinVar's aggregate classification.